The following is an entry in ClinVar:

NM_000153.4(GALC):c.28T>C (p.Trp10Arg)

Gene: GALC (galactosylceramidase; minus strand). Cytogenetic location: 14q31.3.
Variant type: single nucleotide variant.
Coding change: c.28T>C on transcript NM_000153.4 (MANE Select); coding-DNA position 28, T replaced by C.
Protein change: p.Trp10Arg; replaces tryptophan 10 with arginine.
Molecular consequence: missense variant. On other transcripts: intron variant (1).
Genome position (GRCh38, 1-based): chr14:87,993,137, A>G on the plus strand (T>C on the coding strand, the complement: GALC is on the minus strand). VCF-style: chr14-87993137-A-G. GRCh37 (hg19) VCF-style: chr14-88459481-A-G.
Other names: p.Trp10Arg; c.28T>C, p.Trp10Arg (NM_001201401.2); c.117+246T>C (NM_001201402.2); short protein forms W10R.
Identifiers: ClinVar variation 314764 (VCV000314764.16), dbSNP rs767913083, ClinGen allele CA7297530.

ClinVar aggregate classification (germline): Conflicting classifications of pathogenicity. Review status: criteria provided, conflicting classifications (1 of 4 stars). 6 submissions from 6 submitters: Uncertain significance (3); Likely benign (3). Last evaluated 2026-01-11.

Conditions:
Galactosylceramide beta-galactosidase deficiency. Also called: GALACTOCEREBROSIDASE DEFICIENCY; GALC DEFICIENCY; GLOBOID CELL LEUKOENCEPHALOPATHY; Krabbe Disease; Leukodystrophy, Globoid Cell. Identifiers: Orphanet 487, MedGen C0023521, MONDO:0009499, OMIM 245200.
Inborn genetic diseases. Identifiers: MedGen C0950123, MeSH D030342.

Allele frequency attached by ClinVar (database versions not stated): gnomAD exomes 0.00002 and 0.00009; TOPMed 0.00003; gnomAD 0.00004 and 0.00007; ExAC 0.00022; 1000 Genomes Project 30x 0.00031.
gnomAD v4.1: 49 of 1,582,714 alleles (0.0031%); highest among the groups gnomAD compares: East Asian, 0.055%; no homozygotes.

Submissions (6):

Labcorp Genetics (formerly Invitae), Labcorp
Classification: Likely benign for Galactosylceramide beta-galactosidase deficiency. Last evaluated: 2026-01-11. Review status: criteria provided, single submitter. Criteria: Invitae Variant Classification Sherloc (09022015). Collection method: clinical testing. Allele origin: germline.

Mayo Clinic Laboratories, Mayo Clinic
Classification: Uncertain significance. Last evaluated: 2025-01-10. Review status: criteria provided, single submitter. Criteria: ACMG Guidelines, 2015. Collection method: clinical testing. Allele origin: germline. Observed: 1 variant allele.
Comment: BP4

Blueprint Genetics
Classification: Likely benign. Last evaluated: 2024-09-18. Review status: criteria provided, single submitter. Criteria: ACMG Guidelines, 2015. Collection method: clinical testing. Allele origin: germline.

Fulgent Genetics
Classification: Uncertain significance for Galactosylceramide beta-galactosidase deficiency. Last evaluated: 2024-01-15. Review status: criteria provided, single submitter. Criteria: ACMG Guidelines, 2015. Collection method: clinical testing. Allele origin: germline.

Ambry Genetics
Classification: Likely benign for Inborn genetic diseases. Last evaluated: 2023-10-13. Review status: criteria provided, single submitter. Criteria: Ambry Variant Classification Scheme 2023. Collection method: clinical testing. Allele origin: germline.

Illumina Laboratory Services, Illumina
Classification: Uncertain significance for Galactosylceramide beta-galactosidase deficiency. Last evaluated: 2018-01-13. Review status: criteria provided, single submitter. Criteria: ICSL Variant Classification Criteria 13 December 2019. Collection method: clinical testing. Allele origin: germline.